The following is an entry in ClinVar:

NM_017617.5(NOTCH1):c.5260G>A (p.Val1754Met)

Gene: NOTCH1 (notch receptor 1; minus strand). Cytogenetic location: 9q34.3.
Variant type: single nucleotide variant.
Coding change: c.5260G>A on transcript NM_017617.5 (MANE Select); coding-DNA position 5260, G replaced by A.
Protein change: p.Val1754Met; replaces valine 1754 with methionine.
Molecular consequence: missense variant.
Genome position (GRCh38, 1-based): chr9:136,502,396, C>T on the plus strand (G>A on the coding strand, the complement: NOTCH1 is on the minus strand). VCF-style: chr9-136502396-C-T. GRCh37 (hg19) VCF-style: chr9-139396848-C-T.
Other names: c.5260G>A, p.Val1754Met (LRG_1122t1); short protein forms V1754M.
Identifiers: ClinVar variation 547715 (VCV000547715.7), dbSNP rs1554727492, ClinGen allele CA375640826.

ClinVar aggregate classification (germline): Uncertain significance. Review status: criteria provided, multiple submitters, no conflicts (2 of 4 stars). 2 submissions from 2 submitters: Uncertain significance (2). Last evaluated 2025-10-01.

Conditions:
Connective tissue disorder. Also called: Connective tissue disease. Identifiers: MedGen C0009782, MONDO:0003900.

Submissions (2):

CeGaT Center for Human Genetics Tuebingen
Classification: Uncertain significance. Last evaluated: 2025-10-01. Review status: criteria provided, single submitter. Criteria: CeGaT Center For Human Genetics Tuebingen Variant Classification Criteria Version 2. Collection method: clinical testing. Allele origin: germline. Affected: yes. Observed: 1 variant allele.
Comment: NOTCH1: PM2

Center for Human Genetics, Inc
Classification: Uncertain significance for Connective tissue disorder. Last evaluated: 2016-11-01. Review status: criteria provided, single submitter. Criteria: ACMG Guidelines, 2015. Collection method: clinical testing. Allele origin: germline. Affected: yes.